The following is an entry in ClinVar:

ClinVar aggregate classification (germline): Benign. Review status: criteria provided, multiple submitters, no conflicts (2 of 4 stars). 9 submissions from 9 submitters: Benign (6). 3 of the submissions do not count toward it. Last evaluated 2026-02-04.

Conditions:
RARS2-related disorder. Also called: RARS2-related condition.
Pontocerebellar hypoplasia type 6 (PCH6). Identifiers: Orphanet 166073, MedGen C1969084, MONDO:0012683, OMIM 611523.

Allele frequency attached by ClinVar (database versions not stated): 1000 Genomes Project 30x 0.01952; 1000 Genomes Project 0.02057; TOPMed 0.02618; gnomAD 0.03019 and 0.03029; ExAC 0.03207; gnomAD exomes 0.03225 and 0.04344; ESP Exome Variant Server 0.03252.
gnomAD v4.1: 67,703 of 1,614,188 alleles (4.2%); highest among the groups gnomAD compares: Non-Finnish European, 4.8%; 1,695 homozygotes.

Submissions (9):

Labcorp Genetics (formerly Invitae), Labcorp
Classification: Benign. Last evaluated: 2026-02-04. Review status: criteria provided, single submitter. Criteria: Invitae Variant Classification Sherloc (09022015). Collection method: clinical testing. Allele origin: germline.

ARUP Laboratories, Molecular Genetics and Genomics, ARUP Laboratories
Classification: Benign for Pontocerebellar hypoplasia type 6. Last evaluated: 2023-11-22. Review status: criteria provided, single submitter. Criteria: ARUP Molecular Germline Variant Investigation Process 2024. Collection method: clinical testing. Allele origin: germline.

Genome-Nilou Lab
Classification: Benign for Pontocerebellar hypoplasia type 6. Last evaluated: 2021-07-10. Review status: criteria provided, single submitter. Criteria: ACMG Guidelines, 2015. Collection method: clinical testing. Allele origin: germline. Affected: no.

Illumina Laboratory Services, Illumina
Classification: Benign for Pontocerebellar hypoplasia type 6. Last evaluated: 2018-01-12. Review status: criteria provided, single submitter. Criteria: ICSL Variant Classification Criteria 13 December 2019. Collection method: clinical testing. Allele origin: germline.
Comment: This variant was observed in the ICSL laboratory as part of a predisposition screen in an ostensibly healthy population. It had not been previously curated by ICSL or reported in the Human Gene Mutation Database (HGMD: prior to June 1st, 2018), and was therefore a candidate for classification through an automated scoring system. Utilizing variant allele frequency, disease prevalence and penetrance estimates, and inheritance mode, an automated score was calculated to assess if this variant is too frequent to cause the disease. Based on the score and internal cut-off values, a variant classified as benign is not then subjected to further curation. The score for this variant resulted in a classification of benign for this disease.

GeneDx
Classification: Benign. Last evaluated: 2013-02-19. Review status: criteria provided, single submitter. Criteria: GeneDx Variant Classification (06012015). Collection method: clinical testing. Allele origin: germline. Affected: yes.
Comment: This variant is considered likely benign or benign based on one or more of the following criteria: it is a conservative change, it occurs at a poorly conserved position in the protein, it is predicted to be benign by multiple in silico algorithms, and/or has population frequency not consistent with disease.

Genetic Services Laboratory, University of Chicago
Classification: Benign for AllHighlyPenetrant. Last evaluated: 2012-12-06. Review status: criteria provided, single submitter. Criteria: ACMG Guidelines, 2007. Collection method: clinical testing. Allele origin: germline. Inheritance: Autosomal recessive inheritance.

Natera, Inc.
Classification: Benign for Pontocerebellar hypoplasia, type 6. Last evaluated: 2020-09-16. Review status: no assertion criteria provided. Collection method: clinical testing. Allele origin: germline. Not counted in ClinVar's aggregate classification.

PreventionGenetics, part of Exact Sciences
Classification: Benign for RARS2-related condition. Last evaluated: 2019-09-06. Review status: no assertion criteria provided. Collection method: clinical testing. Allele origin: germline. Not counted in ClinVar's aggregate classification.
Comment: This variant is classified as benign based on ACMG/AMP sequence variant interpretation guidelines (Richards et al. 2015 PMID: 25741868, with internal and published modifications).

Mayo Clinic Laboratories, Mayo Clinic
Classification: Benign. Last evaluated: 2016-02-19. Review status: no assertion criteria provided. Collection method: clinical testing. Allele origin: unknown. Not counted in ClinVar's aggregate classification.

NM_020320.5(RARS2):c.703G>A (p.Val235Met)

Gene: RARS2 (arginyl-tRNA synthetase 2, mitochondrial; minus strand). Cytogenetic location: 6q15.
Variant type: single nucleotide variant.
Coding change: c.703G>A on transcript NM_020320.5 (MANE Select); coding-DNA position 703, G replaced by A.
Protein change: p.Val235Met; replaces valine 235 with methionine.
Molecular consequence: missense variant. On other transcripts: non-coding transcript variant (23).
Genome position (GRCh38, 1-based): chr6:87,530,852, C>T on the plus strand (G>A on the coding strand, the complement: RARS2 is on the minus strand). VCF-style: chr6-87530852-C-T. GRCh37 (hg19) VCF-style: chr6-88240570-C-T.
Other names: p.V235M:GTG>ATG; c.703G>A (NM_020320.4); c.178G>A, p.Val60Met (NM_001318785.2, NM_001350506.2, NM_001350507.2 and 4 more transcripts); c.703G>A, p.Val235Met (NM_001350505.2); short protein forms V235M, V60M.
Identifiers: ClinVar variation 130098 (VCV000130098.35), dbSNP rs35862137, ClinGen allele CA154884.